The following is an entry in ClinVar:

ClinVar aggregate classification (germline): Uncertain significance (1 of 4 stars; one submission).

Conditions:
Propionic acidemia (PROP). Also called: HYPERGLYCINEMIA WITH KETOACIDOSIS AND LEUKOPENIA; KETOTIC HYPERGLYCINEMIA; GLYCINEMIA, KETOTIC. Identifiers: Orphanet 35, MedGen C0268579, MONDO:0011628, OMIM 606054, HP:0003571.

Allele frequency attached by ClinVar (database versions not stated): gnomAD exomes below 0.00001 and 0.00001; ExAC 0.00001; gnomAD 0.00001.

Submission:

Labcorp Genetics (formerly Invitae), Labcorp
Classification: Uncertain significance for Propionic acidemia. Last evaluated: 2022-05-27. Review status: criteria provided, single submitter. Criteria: Invitae Variant Classification Sherloc (09022015). Collection method: clinical testing. Allele origin: germline.
Comment: This sequence change replaces threonine, which is neutral and polar, with isoleucine, which is neutral and non-polar, at codon 240 of the PCCB protein (p.Thr240Ile). This variant is present in population databases (rs762986402, gnomAD 0.02%). This variant has not been reported in the literature in individuals affected with PCCB-related conditions. ClinVar contains an entry for this variant (Variation ID: 1357076). Advanced modeling of protein sequence and biophysical properties (such as structural, functional, and spatial information, amino acid conservation, physicochemical variation, residue mobility, and thermodynamic stability) performed at Invitae indicates that this missense variant is expected to disrupt PCCB protein function. In summary, the available evidence is currently insufficient to determine the role of this variant in disease. Therefore, it has been classified as a Variant of Uncertain Significance.

NM_000532.5(PCCB):c.719C>T (p.Thr240Ile)

Gene: PCCB (propionyl-CoA carboxylase subunit beta; plus strand). Cytogenetic location: 3q22.3.
Variant type: single nucleotide variant.
Coding change: c.719C>T on transcript NM_000532.5 (MANE Select); coding-DNA position 719, C replaced by T.
Protein change: p.Thr240Ile; replaces threonine 240 with isoleucine.
Molecular consequence: missense variant.
Genome position (GRCh38, 1-based): chr3:136,293,820, C>T. VCF-style: chr3-136293820-C-T. GRCh37 (hg19) VCF-style: chr3-136012662-C-T.
Other names: c.779C>T, p.Thr260Ile (NM_001178014.2); short protein forms T240I, T260I.
Identifiers: ClinVar variation 1357076 (VCV001357076.3), dbSNP rs762986402, ClinGen allele CA2631836.